The following is an entry in ClinVar:

ClinVar aggregate classification (germline): Uncertain significance (1 of 4 stars; one submission).

Conditions:
Cardiovascular phenotype. Identifiers: MedGen CN230736.

Allele frequency attached by ClinVar (database versions not stated): gnomAD 0.00002; gnomAD exomes below 0.00001; TOPMed 0.00001.
gnomAD v4.1: 4 of 1,613,980 alleles (0.00025%); highest among the groups gnomAD compares: African/African-American, 0.0053%; no homozygotes.

Submission:

Ambry Genetics
Classification: Uncertain significance for Cardiovascular phenotype. Last evaluated: 2026-08-18. Review status: criteria provided, single submitter. Criteria: Ambry Variant Classification Scheme 2023. Collection method: clinical testing. Allele origin: germline.
Comment: The c.9196G>A (p.G3066R) alteration is located in exon 26 (coding exon 26) of the APOB gene. This alteration results from a G to A substitution at nucleotide position 9196, causing the glycine (G) at amino acid position 3066 to be replaced by an arginine (R). Based on data from gnomAD, the A allele has an overall frequency of 0.003% (1/31410) total alleles studied. The highest observed frequency was 0.012% (1/8716) of African alleles. Based on insufficient or conflicting evidence, the clinical significance of this alteration remains unclear.

NM_000384.3(APOB):c.9196G>A (p.Gly3066Arg)

Gene: APOB (apolipoprotein B; minus strand). Cytogenetic location: 2p24.1.
Variant type: single nucleotide variant.
Coding change: c.9196G>A on transcript NM_000384.3 (MANE Select); coding-DNA position 9196, G replaced by A.
Protein change: p.Gly3066Arg; replaces glycine 3066 with arginine.
Molecular consequence: missense variant.
Genome position (GRCh38, 1-based): chr2:21,007,672, C>T on the plus strand (G>A on the coding strand, the complement: APOB is on the minus strand). VCF-style: chr2-21007672-C-T. GRCh37 (hg19) VCF-style: chr2-21230544-C-T.
Other names: short protein forms G3066R.
Identifiers: ClinVar variation 2586195 (VCV002586195.3), dbSNP rs1271236026, ClinGen allele CA345990842.